The following is an entry in ClinVar:

ClinVar aggregate classification (oncogenicity): Oncogenic (1 of 4 stars; one submission).

Conditions:
Meningioma. Also called: Meningioma, somatic. Identifiers: Orphanet 2495, MedGen C0025286, MONDO:0016642, HP:0002858.

Submission:

Dr. Guy Rouleau's laboratory, McGill University
Classification: Oncogenic for Meningioma. Last evaluated: 2025-03-30. Review status: criteria provided, single submitter. Criteria: ClinGen/CGC/VICC Guidelines for Oncogenicity, 2022. Collection method: research. Allele origin: somatic. Affected: yes.
Comment: This frameshift variant generates a premature translational stop signal (p.Phe119fs) in the NF2 gene, which is expected to result in an absent or disrupted protein product. Loss-of-function variants in NF2 are well-established as pathogenic (PMIDs: 8755919, 9643284, 16983642). This somatic variant was identified in a paired tumor-blood sequencing study of meningiomas. It has not been reported in population databases (gnomAD v2.1.1: no frequency).

NM_000268.4(NF2):c.354dup (p.Phe119fs)

Gene: NF2 (NF2, moesin-ezrin-radixin like (MERLIN) tumor suppressor; plus strand). Cytogenetic location: 22q12.2.
Variant type: Duplication.
Coding change: c.354dup on transcript NM_000268.4 (MANE Select); coding-DNA position 354, one base duplicated (C; older notation c.354dupC).
Protein change: p.Phe119fs; shifts the reading frame from phenylalanine 119.
Molecular consequence: frameshift variant. On other transcripts: intron variant (8), 5 prime UTR variant (1).
Genome position (GRCh38, 1-based): chr22:29,639,203, C duplicated. VCF-style (leftmost placement, unchanged base first): chr22-29639202-T-TC. GRCh37 (hg19) VCF-style: chr22-30035191-T-TC.
Other names: c.354dup, p.Phe119fs (NM_016418.5, NM_181825.3, NM_181832.3 and 5 more transcripts); c.228dup, p.Phe77fs (NM_181828.3, NM_001407055.1); c.240+2327dup (NM_001407058.1, NM_181829.3, NM_001407054.1 and 1 more transcripts); c.115-2999dup (NM_001407063.1, NM_181830.3, NM_001407064.1 and 1 more transcripts); c.240dup, p.Phe81fs (NM_001407053.1, NM_001407056.1); c.-287dup (NM_001407065.1); c.123dup, p.Phe42fs (NM_001407067.1); short protein forms F119fs, F42fs, F77fs, F81fs.
Identifiers: ClinVar variation 3897736 (VCV003897736.1).